The following is an entry in ClinVar:

NM_000651.6(CR1):c.5605G>A (p.Gly1869Arg)

Gene: CR1 (complement C3b/C4b receptor 1 (Knops blood group); plus strand). Cytogenetic location: 1q32.2.
Variant type: single nucleotide variant.
Coding change: c.5605G>A on transcript NM_000651.6 (MANE Select); coding-DNA position 5605, G replaced by A.
Protein change: p.Gly1869Arg; replaces glycine 1869 with arginine.
Molecular consequence: missense variant.
Genome position (GRCh38, 1-based): chr1:207,587,460, G>A. VCF-style: chr1-207587460-G-A. GRCh37 (hg19) VCF-style: chr1-207760805-G-A.
Other names: c.4255G>A, p.Gly1419Arg (NM_000573.4, NM_001381851.1); short protein forms G1419R, G1869R.
Identifiers: ClinVar variation 3052016 (VCV003052016.2), dbSNP rs191896925, ClinGen allele CA1370217.

ClinVar aggregate classification (germline): Likely benign (0 of 4 stars; one submission).

Conditions:
CR1-related disorder. Also called: CR1-related condition.

Allele frequency attached by ClinVar (database versions not stated): gnomAD exomes 0.00014; ExAC 0.00039; 1000 Genomes Project 0.00120; ESP Exome Variant Server 0.00127; gnomAD 0.00133; TOPMed 0.00142; 1000 Genomes Project 30x 0.00172.
gnomAD v4.1: 414 of 1,613,874 alleles (0.026%); highest among the groups gnomAD compares: African/African-American, 0.49%; 2 homozygotes.

Submission:

PreventionGenetics, part of Exact Sciences
Classification: Likely benign for CR1-related condition. Last evaluated: 2022-07-06. Review status: no assertion criteria provided. Collection method: clinical testing. Allele origin: germline.
Comment: This variant is classified as likely benign based on ACMG/AMP sequence variant interpretation guidelines (Richards et al. 2015 PMID: 25741868, with internal and published modifications).